The following is an entry in ClinVar:

NM_006254.4(PRKCD):c.671G>A (p.Arg224His)

Gene: PRKCD (protein kinase C delta; plus strand). Cytogenetic location: 3p21.1.
Variant type: single nucleotide variant.
Coding change: c.671G>A on transcript NM_006254.4 (MANE Select); coding-DNA position 671, G replaced by A.
Protein change: p.Arg224His; replaces arginine 224 with histidine.
Molecular consequence: missense variant.
Genome position (GRCh38, 1-based): chr3:53,183,465, G>A. VCF-style: chr3-53183465-G-A. GRCh37 (hg19) VCF-style: chr3-53217481-G-A.
Other names: c.671G>A, p.Arg224His (NM_001316327.2, NM_001354679.2, NM_001354680.2 and 1 more transcripts); c.728G>A, p.Arg243His (NM_001354676.2); c.719G>A, p.Arg240His (NM_001354678.2); short protein forms R243H, R224H, R240H.
Identifiers: ClinVar variation 1374491 (VCV001374491.8), dbSNP rs1553668239, ClinGen allele CA353219942.
Genomic context (GRCh38, chr3:53,183,465, plus strand): 5'-GCTGGAGCTGGCACGTGACCCTCAGCCTGTGATACCCCCACCTCCAGTTCCAGAAAGAAC[G>A]CTTCAACATCGACATGCCGCACCGCTTCAAGGTTCACAACTACATGAGCCCCACCTTCTG-3'
Protein context (NP_006245.2, residues 214-234): NSRDTIFQKE[Arg224His]FNIDMPHRFK

ClinVar aggregate classification (germline): Uncertain significance (1 of 4 stars; one submission).

Conditions:
Autoimmune lymphoproliferative syndrome, type III caused by mutation in PRKCD. Identifiers: Orphanet 3261, Orphanet 664711, MedGen C3809928, MONDO:8000024, OMIM 615559.

Allele frequency attached by ClinVar (database versions not stated): gnomAD exomes below 0.00001; TOPMed 0.00001.
gnomAD v4.1: 3 of 1,614,152 alleles (0.00019%); highest among the groups gnomAD compares: Non-Finnish European, 0.00025%; no homozygotes.

Submission:

Labcorp Genetics (formerly Invitae), Labcorp
Classification: Uncertain significance for Autoimmune lymphoproliferative syndrome, type III caused by mutation in PRKCD. Last evaluated: 2022-06-27. Review status: criteria provided, single submitter. Criteria: Invitae Variant Classification Sherloc (09022015). Collection method: clinical testing. Allele origin: germline.
Comment: In summary, the available evidence is currently insufficient to determine the role of this variant in disease. Therefore, it has been classified as a Variant of Uncertain Significance. Algorithms developed to predict the effect of missense changes on protein structure and function (SIFT, PolyPhen-2, Align-GVGD) all suggest that this variant is likely to be disruptive. This variant has not been reported in the literature in individuals affected with PRKCD-related conditions. This variant is present in population databases (no rsID available, gnomAD 0.0009%). This sequence change replaces arginine, which is basic and polar, with histidine, which is basic and polar, at codon 224 of the PRKCD protein (p.Arg224His).